The following is an entry in ClinVar:

ClinVar aggregate classification (germline): Uncertain significance. Review status: criteria provided, multiple submitters, no conflicts (2 of 4 stars). 2 submissions from 2 submitters: Uncertain significance (2). Last evaluated 2023-12-15.

Conditions:
Hereditary cancer-predisposing syndrome. Also called: Neoplastic Syndromes, Hereditary; Hereditary neoplastic syndrome; Tumor predisposition; Hereditary Cancer Syndrome. Identifiers: Orphanet 140162, MedGen C0027672, MeSH D009386, MONDO:0015356.
Cardiovascular phenotype. Identifiers: MedGen CN230736.
Neurofibromatosis, type 1 (NF1). Also called: Peripheral type neurofibromatosis; VON RECKLINGHAUSEN DISEASE; Neurofibromatosis, type I; NEUROFIBROMATOSIS, TYPE I, SOMATIC. Identifiers: Orphanet 636, MedGen C0027831, MONDO:0018975, OMIM 162200. Disease mechanism: loss of function.

Allele frequency attached by ClinVar (database versions not stated): gnomAD exomes below 0.00001.
gnomAD v4.1: 1 of 1,613,262 alleles (0.000062%); highest among the groups gnomAD compares: South Asian, 0.0011%; no homozygotes.

Submissions (2):

Labcorp Genetics (formerly Invitae), Labcorp
Classification: Uncertain significance for Neurofibromatosis, type 1. Last evaluated: 2023-12-15. Review status: criteria provided, single submitter. Criteria: Invitae Variant Classification Sherloc (09022015). Collection method: clinical testing. Allele origin: germline.
Comment: This sequence change falls in intron 52 of the NF1 gene. It does not directly change the encoded amino acid sequence of the NF1 protein. It affects a nucleotide within the consensus splice site. This variant is not present in population databases (gnomAD no frequency). This variant has not been reported in the literature in individuals affected with NF1-related conditions. ClinVar contains an entry for this variant (Variation ID: 840408). Variants that disrupt the consensus splice site are a relatively common cause of aberrant splicing (PMID: 17576681, 9536098). Studies have shown that this variant is associated with inconclusive levels of altered splicing (Invitae). In summary, the available evidence is currently insufficient to determine the role of this variant in disease. Therefore, it has been classified as a Variant of Uncertain Significance.

Ambry Genetics
Classification: Uncertain significance for Cardiovascular phenotype; Hereditary cancer-predisposing syndrome. Last evaluated: 2021-03-30. Review status: criteria provided, single submitter. Criteria: Ambry Variant Classification Scheme 2023. Collection method: clinical testing. Allele origin: germline.
Comment: The c.7807-3C>T intronic variant results from a C to T substitution 3 nucleotides upstream from coding exon 53 in the NF1 gene. This nucleotide position is well conserved in available vertebrate species. In silico splice site analysis predicts that this alteration will not have any significant effect on splicing. Since supporting evidence is limited at this time, the clinical significance of this alteration remains unclear.

Literature cited by the submitters: PubMed 17576681 (cited by Labcorp Genetics (formerly Invitae), Labcorp); PubMed 9536098 (cited by Labcorp Genetics (formerly Invitae), Labcorp).

NM_001042492.3(NF1):c.7870-3C>T

Gene: NF1 (neurofibromin 1; plus strand). Cytogenetic location: 17q11.2.
Variant type: single nucleotide variant.
Coding change: c.7870-3C>T on transcript NM_001042492.3 (MANE Select); 3 bases into the intron before coding-DNA position 7870, C replaced by T.
Molecular consequence: intron variant.
Genome position (GRCh38, 1-based): chr17:31,357,266, C>T. VCF-style: chr17-31357266-C-T. GRCh37 (hg19) VCF-style: chr17-29684284-C-T.
Other names: c.7807-3C>T (NM_000267.4).
Identifiers: ClinVar variation 840408 (VCV000840408.7), dbSNP rs1597866792, ClinGen allele CA916080681.